The following is an entry in ClinVar:

ClinVar aggregate classification (germline): Pathogenic. Review status: criteria provided, multiple submitters, no conflicts (2 of 4 stars). 2 submissions from 2 submitters: Pathogenic (2). Last evaluated 2024-12-31.

Conditions:
Familial cancer of breast. Also called: Hereditary breast cancer; BREAST CANCER, FAMILIAL; hereditary breast carcinoma. Identifiers: Orphanet 227535, MedGen C0346153, MONDO:0016419, OMIM 114480. Disease mechanism: loss of function.
Hereditary cancer-predisposing syndrome. Also called: Hereditary neoplastic syndrome; Neoplastic Syndromes, Hereditary; Tumor predisposition; Hereditary Cancer Syndrome. Identifiers: Orphanet 140162, MedGen C0027672, MeSH D009386, MONDO:0015356.

Submissions (2):

Ambry Genetics
Classification: Pathogenic for Hereditary cancer-predisposing syndrome. Last evaluated: 2024-12-31. Review status: criteria provided, single submitter. Criteria: Ambry Variant Classification Scheme 2023. Collection method: clinical testing. Allele origin: germline.
Comment: The c.2043dupA pathogenic mutation, located in coding exon 5 of the PALB2 gene, results from a duplication of A at nucleotide position 2043, causing a translational frameshift with a predicted alternate stop codon (p.S682Ifs*33). This variant is considered to be rare based on population cohorts in the Genome Aggregation Database (gnomAD). This alteration is expected to result in loss of function by premature protein truncation or nonsense-mediated mRNA decay. As such, this alteration is interpreted as a disease-causing mutation.

Labcorp Genetics (formerly Invitae), Labcorp
Classification: Pathogenic for Familial cancer of breast. Last evaluated: 2023-10-09. Review status: criteria provided, single submitter. Criteria: Invitae Variant Classification Sherloc (09022015). Collection method: clinical testing. Allele origin: germline.
Comment: This sequence change creates a premature translational stop signal (p.Ser682Ilefs*33) in the PALB2 gene. It is expected to result in an absent or disrupted protein product. Loss-of-function variants in PALB2 are known to be pathogenic (PMID: 17200668, 17200671, 17200672, 24136930, 25099575). This variant is not present in population databases (gnomAD no frequency). This variant has not been reported in the literature in individuals affected with PALB2-related conditions. For these reasons, this variant has been classified as Pathogenic.

Literature cited by the submitters: PubMed 17200668 (cited by Labcorp Genetics (formerly Invitae), Labcorp); PubMed 17200671 (cited by Labcorp Genetics (formerly Invitae), Labcorp); PubMed 17200672 (cited by Labcorp Genetics (formerly Invitae), Labcorp); PubMed 24136930 (cited by Labcorp Genetics (formerly Invitae), Labcorp); PubMed 25099575 (cited by Labcorp Genetics (formerly Invitae), Labcorp).

NM_024675.4(PALB2):c.2043dup (p.Ser682fs)

Gene: PALB2 (partner and localizer of BRCA2; minus strand). Cytogenetic location: 16p12.2.
Variant type: Duplication.
Coding change: c.2043dup on transcript NM_024675.4 (MANE Select); coding-DNA position 2043, one base duplicated (A; older notation c.2043dupA).
Protein change: p.Ser682fs; shifts the reading frame from serine 682.
Molecular consequence: frameshift variant. On other transcripts: intron variant (1).
Genome position (GRCh38, 1-based): chr16:23,630,111, T duplicated on the plus strand (A on the coding strand, the reverse complement: PALB2 is on the minus strand); the first of 4 consecutive T bases (chr16:23,630,111-23,630,114); duplicating any one gives the same sequence. VCF-style (leftmost placement, unchanged base first): chr16-23630110-A-AT. GRCh37 (hg19) VCF-style: chr16-23641431-A-AT.
Other names: c.1983dup, p.Ser662fs (NM_001407296.1); c.2043dup, p.Ser682fs (NM_001407297.1, NM_001407298.1, NM_001407299.1 and 3 more transcripts); c.1158dup, p.Ser387fs (NM_001407304.1, NM_001407305.1, NM_001407306.1 and 5 more transcripts); c.255dup, p.Ser86fs (NM_001407312.1, NM_001407313.1); c.49-836dup (NM_001407314.1); c.2043dupA (NM_024675.3); short protein forms S387fs, S86fs, S662fs, S682fs.
Identifiers: ClinVar variation 2786112 (VCV002786112.4), dbSNP rs2506425029, ClinGen allele CA2739266672.
Genomic context (GRCh38, chr16:23,630,110, plus strand): 5'-TGGATGAAGAAAGGCCCGTCTTTGTATGCTGGCTTTGCGAGTTTGGCCTTTTGGGATGTG[A>AT]TTTTCCTGGTAGAACAATAAGGTCCTCTTCTAAGTCCTCCATTTCTGTATCCATGCGTTT-3'